The following is an entry in ClinVar:

ClinVar aggregate classification (germline): Conflicting classifications of pathogenicity. Review status: criteria provided, conflicting classifications (1 of 4 stars). 4 submissions from 4 submitters: Uncertain significance (1); Benign (1). 2 of the submissions do not count toward it. Last evaluated 2026-09-01.

Conditions:
SOX10-related disorder. Also called: SOX10-related condition.
Hirschsprung disease, susceptibility to, 1 (HSCR1). Also called: RET-Related Hirschsprung Disease. Identifiers: Orphanet 388, MedGen C3888239, MONDO:0007723, OMIM 142623.

Allele frequency attached by ClinVar (database versions not stated): 1000 Genomes Project 0.00080; gnomAD 0.00095; 1000 Genomes Project 30x 0.00125; TOPMed 0.00095.
gnomAD v4.1: 146 of 151,812 alleles (0.096%); highest among the groups gnomAD compares: Non-Finnish European, 0.17%; no homozygotes.

Submissions (4):

CeGaT Center for Human Genetics Tuebingen
Classification: Benign. Last evaluated: 2026-09-01. Review status: criteria provided, single submitter. Criteria: CeGaT Center For Human Genetics Tuebingen Variant Classification Criteria Version 2. Collection method: clinical testing. Allele origin: germline. Affected: yes. Observed: 16 variant alleles.
Comment: SOX10: BS1, BS2

Blueprint Genetics
Classification: Uncertain significance. Last evaluated: 2024-11-20. Review status: criteria provided, single submitter. Criteria: ACMG Guidelines, 2015. Collection method: clinical testing. Allele origin: germline.

PreventionGenetics, part of Exact Sciences
Classification: Likely benign for SOX10-related condition. Last evaluated: 2022-05-16. Review status: no assertion criteria provided. Collection method: clinical testing. Allele origin: germline. Not counted in ClinVar's aggregate classification.
Comment: This variant is classified as likely benign based on ACMG/AMP sequence variant interpretation guidelines (Richards et al. 2015 PMID: 25741868, with internal and published modifications).

U955 Equipe 11, INSERM
Classification: Likely pathogenic for Hirschsprung disease 1. Last evaluated: 2013-12-11. Review status: no assertion criteria provided. Collection method: in vitro. Allele origin: paternal. Affected: yes. Not counted in ClinVar's aggregate classification.
Comment: Regulation of SOX10 expression

Literature cited by the submitters: PubMed 24357527 (cited by U955 Equipe 11, INSERM).

NC_000022.11:g.38016774G>C

Genes: POLR2F (RNA polymerase II, I and III subunit F; plus strand), SOX10 (SRY-box transcription factor 10; minus strand). Cytogenetic location: 22q13.1.
Variant type: single nucleotide variant.
Molecular consequence: intron variant (on NM_001363825.1).
Genome position: GRCh38 VCF-style: chr22-38016774-G-C. GRCh37 (hg19) VCF-style: chr22-38412781-G-C.
Other names: c.*39-24294G>C (NM_001363825.1); c.453-24294G>C (NM_001301130.2); c.294-24294G>C (NM_001301131.2).
Identifiers: ClinVar variation 156719 (VCV000156719.43), dbSNP rs533778281, ClinGen allele CA270919.